The following is an entry in ClinVar:

ClinVar aggregate classification (germline): Benign (0 of 4 stars; one submission).

Conditions:
CPZ-related disorder. Also called: CPZ-related condition.

Allele frequency attached by ClinVar (database versions not stated): ExAC 0.00327; 1000 Genomes Project 0.00819; gnomAD 0.00821; 1000 Genomes Project 30x 0.00890; TOPMed 0.00931; ESP Exome Variant Server 0.01031.

Submission:

PreventionGenetics, part of Exact Sciences
Classification: Benign for CPZ-related condition. Last evaluated: 2019-11-07. Review status: no assertion criteria provided. Collection method: clinical testing. Allele origin: germline.
Comment: This variant is classified as benign based on ACMG/AMP sequence variant interpretation guidelines (Richards et al. 2015 PMID: 25741868, with internal and published modifications).

NM_001014447.3(CPZ):c.377G>A (p.Arg126Gln)

Gene: CPZ (carboxypeptidase Z; plus strand). Cytogenetic location: 4p16.1.
Variant type: single nucleotide variant.
Coding change: c.377G>A on transcript NM_001014447.3 (MANE Select); coding-DNA position 377, G replaced by A.
Protein change: p.Arg126Gln; replaces arginine 126 with glutamine.
Molecular consequence: missense variant. On other transcripts: 5 prime UTR variant (1).
Genome position (GRCh38, 1-based): chr4:8,601,378, G>A. VCF-style: chr4-8601378-G-A. GRCh37 (hg19) VCF-style: chr4-8603105-G-A.
Other names: c.-35G>A (NM_001014448.3); c.344G>A, p.Arg115Gln (NM_003652.4); short protein forms R115Q, R126Q.
Identifiers: ClinVar variation 3043372 (VCV003043372.2), dbSNP rs115392829, ClinGen allele CA2853139.